The following is an entry in ClinVar:

NM_002017.5(FLI1):c.476T>A (p.Phe159Tyr)

Gene: FLI1 (Fli-1 proto-oncogene, ETS transcription factor; plus strand). Cytogenetic location: 11q24.3.
Variant type: single nucleotide variant.
Coding change: c.476T>A on transcript NM_002017.5 (MANE Select); coding-DNA position 476, T replaced by A.
Protein change: p.Phe159Tyr; replaces phenylalanine 159 with tyrosine.
Molecular consequence: missense variant. On other transcripts: intron variant (1).
Genome position (GRCh38, 1-based): chr11:128,772,872, T>A. VCF-style: chr11-128772872-T-A. GRCh37 (hg19) VCF-style: chr11-128642767-T-A.
Other names: c.377T>A, p.Phe126Tyr (NM_001167681.3); c.278T>A, p.Phe93Tyr (NM_001271010.2); c.11-9086T>A (NM_001271012.2); short protein forms F126Y, F159Y, F93Y.
Identifiers: ClinVar variation 3067708 (VCV003067708.21), dbSNP rs2497358918, ClinGen allele CA383236861.
Genomic context (GRCh38, chr11:128,772,872, plus strand): 5'-GGCAATGGCTGGAGTGGGCCATAAAGGAGTACAGCTTGATGGAGATCGACACATCCTTTT[T>A]CCAGAACATGGATGGCAAGGAACTGTGTAAAATGAACAAGGAGGACTTCCTCCGCGCCAC-3'
Protein context (NP_002008.2, residues 149-169): YSLMEIDTSF[Phe159Tyr]QNMDGKELCK

ClinVar aggregate classification (germline): Uncertain significance (1 of 4 stars; one submission).

Submission:

CeGaT Center for Human Genetics Tuebingen
Classification: Uncertain significance. Last evaluated: 2024-03-01. Review status: criteria provided, single submitter. Criteria: CeGaT Center For Human Genetics Tuebingen Variant Classification Criteria Version 2. Collection method: clinical testing. Allele origin: germline. Affected: yes. Observed: 1 variant allele.
Comment: FLI1: PM2